The following is an entry in ClinVar:

NM_001368397.1(FRMPD4):c.1021G>A (p.Ala341Thr)

Gene: FRMPD4 (FERM and PDZ domain containing 4; plus strand). Cytogenetic location: Xp22.2.
Variant type: single nucleotide variant.
Coding change: c.1021G>A on transcript NM_001368397.1 (MANE Select); coding-DNA position 1021, G replaced by A.
Protein change: p.Ala341Thr; replaces alanine 341 with threonine.
Molecular consequence: missense variant.
Genome position (GRCh38, 1-based): chrX:12,701,961, G>A. VCF-style: chrX-12701961-G-A. GRCh37 (hg19) VCF-style: chrX-12720080-G-A.
Other names: c.1132G>A, p.Ala378Thr (NM_001368395.3, NM_001368398.3); c.1027G>A, p.Ala343Thr (NM_001368396.3); c.1012G>A, p.Ala338Thr (NM_001368399.3); c.901G>A, p.Ala301Thr (NM_001368400.3); c.997G>A, p.Ala333Thr (NM_001368401.1, NM_001368402.3); c.1021G>A, p.Ala341Thr (NM_014728.3); short protein forms A333T, A378T, A301T, A338T, A341T, A343T.
Identifiers: ClinVar variation 723014 (VCV000723014.6), dbSNP rs142194011, ClinGen allele CA10349211.

ClinVar aggregate classification (germline): Likely benign. Review status: criteria provided, multiple submitters, no conflicts (2 of 4 stars). 3 submissions from 3 submitters: Likely benign (2). 1 of the submissions does not count toward it. Last evaluated 2024-01-29.

Conditions:
FRMPD4-related disorder. Also called: FRMPD4-related condition.
Inborn genetic diseases. Identifiers: MedGen C0950123, MeSH D030342.

Allele frequency attached by ClinVar (database versions not stated): TOPMed 0.00025; gnomAD exomes 0.00003 and 0.00007; ExAC 0.00009; gnomAD 0.00016 and 0.00017; ESP Exome Variant Server 0.00028.
gnomAD v4.1: 53 of 1,209,053 alleles (0.0044%); highest among the groups gnomAD compares: African/African-American, 0.075%; no homozygotes.

Submissions (3):

Ambry Genetics
Classification: Likely benign for Inborn genetic diseases. Last evaluated: 2024-01-29. Review status: criteria provided, single submitter. Criteria: Ambry Variant Classification Scheme 2023. Collection method: clinical testing. Allele origin: germline.

Labcorp Genetics (formerly Invitae), Labcorp
Classification: Likely benign. Last evaluated: 2018-12-15. Review status: criteria provided, single submitter. Criteria: Invitae Variant Classification Sherloc (09022015). Collection method: clinical testing. Allele origin: germline.

PreventionGenetics, part of Exact Sciences
Classification: Likely benign for FRMPD4-related condition. Last evaluated: 2022-05-09. Review status: no assertion criteria provided. Collection method: clinical testing. Allele origin: germline. Not counted in ClinVar's aggregate classification.
Comment: This variant is classified as likely benign based on ACMG/AMP sequence variant interpretation guidelines (Richards et al. 2015 PMID: 25741868, with internal and published modifications).